The following is an entry in ClinVar:

NM_001271.4(CHD2):c.2794A>T (p.Lys932Ter)

Gene: CHD2 (chromodomain helicase DNA binding protein 2; plus strand). Cytogenetic location: 15q26.1.
Variant type: single nucleotide variant.
Coding change: c.2794A>T on transcript NM_001271.4 (MANE Select); coding-DNA position 2794, A replaced by T.
Protein change: p.Lys932Ter; replaces lysine 932 with a stop codon.
Molecular consequence: nonsense.
Genome position (GRCh38, 1-based): chr15:92,979,201, A>T. VCF-style: chr15-92979201-A-T. GRCh37 (hg19) VCF-style: chr15-93522431-A-T.
Other names: short protein forms K932*.
Identifiers: ClinVar variation 4724062 (VCV004724062.1).
Genomic context (GRCh38, chr15:92,979,201, plus strand): 5'-ATTTACCGCTTAGTTACAAAGGGGACTGTGGAGGAGGAGATCATAGAACGGGCCAAAAAG[A>T]AGATGGTATTAGATCATCTGGTGATTCAGCGCATGGACACCACTGGCCGGACGATCCTGG-3'

ClinVar aggregate classification (germline): Pathogenic (1 of 4 stars; one submission).

Conditions:
Developmental and epileptic encephalopathy 94 (DEE94). Also called: Epileptic encephalopathy, childhood-onset; CHD2-Related Neurodevelopmental Disorders. Identifiers: Orphanet 1942, Orphanet 2382, MedGen C3809278, MONDO:0014150, OMIM 615369.

Submission:

Labcorp Genetics (formerly Invitae), Labcorp
Classification: Pathogenic for Developmental and epileptic encephalopathy 94. Last evaluated: 2025-07-27. Review status: criteria provided, single submitter. Criteria: Invitae Variant Classification Sherloc (09022015). Collection method: clinical testing. Allele origin: germline.
Comment: This sequence change creates a premature translational stop signal (p.Lys932*) in the CHD2 gene. It is expected to result in an absent or disrupted protein product. Loss-of-function variants in CHD2 are known to be pathogenic (PMID: 23708187, 24207121). This variant is not present in population databases (gnomAD no frequency). This variant has not been reported in the literature in individuals affected with CHD2-related conditions. For these reasons, this variant has been classified as Pathogenic.

Literature cited by the submitters: PubMed 23708187; PubMed 24207121.